The following is an entry in ClinVar:

NM_005228.5(EGFR):c.2487G>A (p.Glu829=)

Gene: EGFR (epidermal growth factor receptor; plus strand). Cytogenetic location: 7p11.2.
Variant type: single nucleotide variant.
Coding change: c.2487G>A on transcript NM_005228.5 (MANE Select); coding-DNA position 2487, G replaced by A.
Protein change: p.Glu829=; no amino-acid change (glutamic acid 829 retained).
Molecular consequence: synonymous variant.
Genome position (GRCh38, 1-based): chr7:55,191,736, G>A. VCF-style: chr7-55191736-G-A. GRCh37 (hg19) VCF-style: chr7-55259429-G-A.
Other names: c.2352G>A, p.Glu784= (NM_001346897.2, NM_001346899.2); c.2487G>A, p.Glu829= (NM_001346898.2); c.2328G>A, p.Glu776= (NM_001346900.2); c.1686G>A, p.Glu562= (NM_001346941.2).
Identifiers: ClinVar variation 259678 (VCV000259678.33), dbSNP rs41420046, ClinGen allele CA4266101.
Genomic context (GRCh38, chr7:55,191,736, plus strand): 5'-CCATGATGATCTGTCCCTCACAGCAGGGTCTTCTCTGTTTCAGGGCATGAACTACTTGGA[G>A]GACCGTCGCTTGGTGCACCGCGACCTGGCAGCCAGGAACGTACTGGTGAAAACACCGCAG-3'
Protein context (NP_005219.2, residues 819-839): VQIAKGMNYL[Glu829=]DRRLVHRDLA

ClinVar aggregate classification (germline): Benign/Likely benign. Review status: criteria provided, multiple submitters, no conflicts (2 of 4 stars). 10 submissions from 10 submitters: Benign (7); Likely benign (3). Last evaluated 2026-05-01.

Conditions:
Lung cancer. Also called: Malignant tumor of lung; Lung cancer, somatic. Identifiers: MedGen C0242379, MONDO:0008903, OMIM 211980.
Hereditary cancer-predisposing syndrome. Also called: Tumor predisposition; Hereditary Cancer Syndrome; Neoplastic Syndromes, Hereditary; Hereditary neoplastic syndrome. Identifiers: Orphanet 140162, MedGen C0027672, MeSH D009386, MONDO:0015356.
EGFR-related lung cancer (EGFR). Identifiers: MedGen CN130014.

Allele frequency attached by ClinVar (database versions not stated): gnomAD exomes 0.00022 and 0.00064; ExAC 0.00072; gnomAD 0.00189 and 0.00198; ESP Exome Variant Server 0.00192; TOPMed 0.00215; 1000 Genomes Project 30x 0.00344; 1000 Genomes Project 0.00359.
gnomAD v4.1: 626 of 1,613,956 alleles (0.039%); highest among the groups gnomAD compares: African/African-American, 0.71%; 2 homozygotes.

Submissions (10):

CeGaT Center for Human Genetics Tuebingen
Classification: Likely benign. Last evaluated: 2026-05-01. Review status: criteria provided, single submitter. Criteria: CeGaT Center For Human Genetics Tuebingen Variant Classification Criteria Version 2. Collection method: clinical testing. Allele origin: germline. Affected: yes. Observed: 5 variant alleles.
Comment: EGFR: BP4, BP7

Labcorp Genetics (formerly Invitae), Labcorp
Classification: Benign for EGFR-related lung cancer. Last evaluated: 2026-02-03. Review status: criteria provided, single submitter. Criteria: Invitae Variant Classification Sherloc (09022015). Collection method: clinical testing. Allele origin: germline.

Quest Diagnostics Nichols Institute San Juan Capistrano
Classification: Benign. Last evaluated: 2025-09-12. Review status: criteria provided, single submitter. Criteria: Quest Diagnostics criteria. Collection method: clinical testing. Allele origin: unknown.

Blueprint Genetics
Classification: Likely benign. Last evaluated: 2024-11-26. Review status: criteria provided, single submitter. Criteria: ACMG Guidelines, 2015. Collection method: clinical testing. Allele origin: germline.

Myriad Genetics, Inc.
Classification: Benign for Lung cancer. Last evaluated: 2024-10-17. Review status: criteria provided, single submitter. Criteria: Myriad Autosomal Dominant, Autosomal Recessive and X-Linked Classification Criteria (2023). Collection method: clinical testing. Allele origin: unknown.
Comment: This variant is considered benign. This variant is a silent/synonymous amino acid change and it is not expected to impact splicing.

Ambry Genetics
Classification: Likely benign for Hereditary cancer-predisposing syndrome. Last evaluated: 2024-08-09. Review status: criteria provided, single submitter. Criteria: Ambry Variant Classification Scheme 2023. Collection method: clinical testing. Allele origin: germline.

KCCC/NGS Laboratory, Kuwait Cancer Control Center
Classification: Benign for Lung cancer. Last evaluated: 2023-07-07. Review status: criteria provided, single submitter. Criteria: ACMG Guidelines, 2015. Collection method: clinical testing. Allele origin: germline. Affected: yes.

Sema4
Classification: Benign for Hereditary cancer-predisposing syndrome. Last evaluated: 2021-04-23. Review status: criteria provided, single submitter. Criteria: Sema4 Curation Guidelines. Collection method: curation. Allele origin: germline.

Breakthrough Genomics
Classification: Benign. Review status: criteria provided, single submitter. Criteria: ACMG Guidelines, 2015. Collection method: not provided. Allele origin: germline. Inheritance: Autosomal recessive inheritance. Affected: yes.

PreventionGenetics, part of Exact Sciences
Classification: Benign. Review status: criteria provided, single submitter. Criteria: ACMG Guidelines, 2015. Collection method: clinical testing. Allele origin: germline.

Literature cited by the submitters: PubMed 26870997 (cited by Quest Diagnostics Nichols Institute San Juan Capistrano).